The following is an entry in ClinVar:

NM_020442.6(VARS2):c.2558T>C (p.Leu853Pro)

Gene: VARS2 (valyl-tRNA synthetase 2, mitochondrial; plus strand). Cytogenetic location: 6p21.33.
Variant type: single nucleotide variant.
Coding change: c.2558T>C on transcript NM_020442.6 (MANE Select); coding-DNA position 2558, T replaced by C.
Protein change: p.Leu853Pro; replaces leucine 853 with proline.
Molecular consequence: missense variant.
Genome position (GRCh38, 1-based): chr6:30,924,445, T>C. VCF-style: chr6-30924445-T-C. GRCh37 (hg19) VCF-style: chr6-30892222-T-C.
Other names: c.2138T>C, p.Leu713Pro (NM_001167733.3); c.2648T>C, p.Leu883Pro (NM_001167734.2); short protein forms L713P, L853P, L883P.
Identifiers: ClinVar variation 2430917 (VCV002430917.1), dbSNP rs2538683284, ClinGen allele CA363176917.

ClinVar aggregate classification (germline): Uncertain significance (1 of 4 stars; one submission).

Submission:

GeneDx
Classification: Uncertain significance. Last evaluated: 2022-08-16. Review status: criteria provided, single submitter. Criteria: GeneDx Variant Classification Process June 2021. Collection method: clinical testing. Allele origin: germline. Affected: yes.
Comment: Not observed at significant frequency in large population cohorts (gnomAD); In silico analysis supports that this missense variant has a deleterious effect on protein structure/function; Has not been previously published as pathogenic or benign to our knowledge